The following is an entry in ClinVar:

ClinVar aggregate classification (germline): Uncertain significance (1 of 4 stars; one submission).

Conditions:
Hereditary sensory and autonomic neuropathy type 6. Also called: Neuropathy, hereditary sensory and autonomic, type VI; HSAN VI. Identifiers: Orphanet 314381, MedGen C3539003, MONDO:0013839, OMIM 614653.
Epidermolysis bullosa simplex 3, localized or generalized intermediate, with BP230 deficiency (EBS3). Also called: Epidermolysis bullosa simplex, autosomal recessive 2; Epidermolysis bullosa simplex due to BP230 deficiency. Identifiers: Orphanet 412181, MedGen C3809470, MONDO:0014180, OMIM 615425.

Submission:

Labcorp Genetics (formerly Invitae), Labcorp
Classification: Uncertain significance for Epidermolysis bullosa simplex 3, localized or generalized intermediate, with BP230 deficiency; Hereditary sensory and autonomic neuropathy type 6. Last evaluated: 2021-12-24. Review status: criteria provided, single submitter. Criteria: Invitae Variant Classification Sherloc (09022015). Collection method: clinical testing. Allele origin: germline.
Comment: In summary, the available evidence is currently insufficient to determine the role of this variant in disease. Therefore, it has been classified as a Variant of Uncertain Significance. The DST gene has multiple clinically relevant transcripts. This variant occurs in alternate transcript NM_015548.4, and corresponds to NM_001723.5:c.*111411T>C in the primary transcript. This sequence change falls in intron 58 of the DST gene. It does not directly change the encoded amino acid sequence of the DST protein. This variant is not present in population databases (gnomAD no frequency). This variant has not been reported in the literature in individuals affected with DST-related conditions. Algorithms developed to predict the effect of sequence changes on RNA splicing suggest that this variant may disrupt the consensus splice site.

NM_001374736.1(DST):c.19465-8T>C

Gene: DST (dystonin; minus strand). Cytogenetic location: 6p12.1.
Variant type: single nucleotide variant.
Coding change: c.19465-8T>C on transcript NM_001374736.1 (MANE Select); 8 bases into the intron before coding-DNA position 19465, T replaced by C.
Molecular consequence: intron variant.
Genome position (GRCh38, 1-based): chr6:56,504,106, A>G on the plus strand (T>C on the coding strand, the complement: DST is on the minus strand). VCF-style: chr6-56504106-A-G. GRCh37 (hg19) VCF-style: chr6-56368904-A-G.
Other names: c.13108-8T>C (NM_001144769.5); c.19465-8T>C (NM_001374722.1); c.19492-8T>C (NM_001374734.1); c.12694-8T>C (NM_001144770.2); c.12247-8T>C (NM_001374730.1); c.12574-8T>C (NM_001386100.1, NM_183380.4); c.18505-8T>C (NM_001374729.1); c.11596-8T>C (NM_015548.5).
Identifiers: ClinVar variation 2056691 (VCV002056691.4), dbSNP rs2534212013, ClinGen allele CA2580075561.